The following is an entry in ClinVar:

NM_198252.3(GSN):c.467G>A (p.Trp156Ter)

Gene: GSN (gelsolin; plus strand). Cytogenetic location: 9q33.2.
Variant type: single nucleotide variant.
Coding change: c.467G>A on transcript NM_198252.3 (MANE Select); coding-DNA position 467, G replaced by A.
Protein change: p.Trp156Ter; replaces tryptophan 156 with a stop codon.
Molecular consequence: nonsense. On other transcripts: 5 prime UTR variant (1).
Genome position (GRCh38, 1-based): chr9:121,310,799, G>A. VCF-style: chr9-121310799-G-A. GRCh37 (hg19) VCF-style: chr9-124073077-G-A.
Other names: c.620G>A, p.Trp207Ter (NM_000177.5); c.467G>A, p.Trp156Ter (NM_001127662.2, NM_001127664.2, NM_001127665.2 and 10 more transcripts); c.575G>A, p.Trp192Ter (NM_001127663.2); c.500G>A, p.Trp167Ter (NM_001127666.2, NM_001127667.2, NM_001353063.2 and 13 more transcripts); c.518G>A, p.Trp173Ter (NM_001258029.2); c.491G>A, p.Trp164Ter (NM_001258030.2); c.539G>A, p.Trp180Ter (NM_001353076.2); c.-188G>A (NM_001353078.2); short protein forms W156*, W164*, W167*, W173*, W180*, W192*, W207*.
Identifiers: ClinVar variation 4811821 (VCV004811821.1).

ClinVar aggregate classification (germline): Uncertain significance (1 of 4 stars; one submission).

Submission:

Labcorp Genetics (formerly Invitae), Labcorp
Classification: Uncertain significance. Last evaluated: 2025-06-24. Review status: criteria provided, single submitter. Criteria: Invitae Variant Classification Sherloc (09022015). Collection method: clinical testing. Allele origin: germline.
Comment: This sequence change creates a premature translational stop signal (p.Trp207*) in the GSN gene. It is expected to result in an absent or disrupted protein product. However, the current clinical and genetic evidence is not sufficient to establish whether loss-of-function variants in GSN cause disease. This variant is not present in population databases (gnomAD no frequency). This variant has not been reported in the literature in individuals affected with GSN-related conditions. In summary, the available evidence is currently insufficient to determine the role of this variant in disease. Therefore, it has been classified as a Variant of Uncertain Significance.